The following is an entry in ClinVar:

ClinVar aggregate classification (germline): Pathogenic/Likely pathogenic. Review status: criteria provided, multiple submitters, no conflicts (2 of 4 stars). 2 submissions from 2 submitters: Pathogenic (1); Likely pathogenic (1). Last evaluated 2021-06-18.

Conditions:
Capillary malformation-arteriovenous malformation 1 (CMAVM1). Identifiers: Orphanet 137667, Orphanet 693907, MedGen C4747394, MONDO:0020783, OMIM 608354.

Submissions (2):

GeneDx
Classification: Pathogenic. Last evaluated: 2021-06-18. Review status: criteria provided, single submitter. Criteria: GeneDx Variant Classification Process June 2021. Collection method: clinical testing. Allele origin: germline. Affected: yes.
Comment: Frameshift variant predicted to result in protein truncation or nonsense mediated decay in a gene for which loss-of-function is a known mechanism of disease; Not observed in large population cohorts (Lek et al., 2016); Has not been previously published as pathogenic or benign to our knowledge

CENTOGENE GmbH and LLC - Guiding Precision Medicine
Classification: Likely pathogenic for Capillary malformation-arteriovenous malformation 1. Last evaluated: 2021-05-28. Review status: criteria provided, single submitter. Criteria: ACMG Guidelines, 2015. Collection method: clinical testing. Allele origin: germline.

NM_002890.3(RASA1):c.1201del (p.Ile401fs)

Genes: CCNH (cyclin H; minus strand), RASA1 (RAS p21 protein activator 1; plus strand). Cytogenetic location: 5q14.3.
Variant type: Deletion.
Coding change: c.1201del on transcript NM_002890.3 (MANE Select); coding-DNA position 1201, one base deleted (A; older notation c.1201delA).
Protein change: p.Ile401fs; shifts the reading frame from isoleucine 401.
Molecular consequence: frameshift variant. On other transcripts: intron variant (1).
Genome position (GRCh38, 1-based): chr5:87,349,312, A deleted; the last of 4 consecutive A bases (chr5:87,349,309-87,349,312); deleting any one gives the same sequence. VCF-style (leftmost placement, unchanged base first): chr5-87349308-TA-T. GRCh37 (hg19) VCF-style: chr5-86645125-TA-T.
Other names: c.670del, p.Ile224fs (NM_022650.3); c.934-36514del (NM_001364075.2); short protein forms I224fs, I401fs.
Identifiers: ClinVar variation 1326256 (VCV001326256.5), dbSNP rs2112421707, ClinGen allele CA2573052536.
Genomic context (GRCh38, chr5:87,349,308, plus strand): 5'-AGATAATACTCCTGGCGATTATTCACTTTATTTCCGGACCAATGAAAATATTCAGCGATT[TA>T]AAATATGTCCAACGCCAAACAATCAGTTTATGATGGGAGGCCGGTATTATAACAGGTAAA-3'